The following is an entry in ClinVar:

ClinVar aggregate classification (germline): Conflicting classifications of pathogenicity. Review status: criteria provided, conflicting classifications (1 of 4 stars). 2 submissions from 2 submitters: Uncertain significance (1); Likely benign (1). Last evaluated 2023-03-14.

Conditions:
Polycystic kidney disease 2 (PKD2). Also called: POLYCYSTIC KIDNEY DISEASE, ADULT, TYPE II; POLYCYSTIC KIDNEY DISEASE 2 WITH OR WITHOUT POLYCYSTIC LIVER DISEASE; Polycystic Kidney Disease 2, Autosomal Dominant. Identifiers: MedGen C2751306, MONDO:0013131, OMIM 613095.

Allele frequency attached by ClinVar (database versions not stated): gnomAD exomes below 0.00001.
gnomAD v4.1: 1 of 1,613,796 alleles (0.000062%); highest among the groups gnomAD compares: Non-Finnish European, 0.000085%; no homozygotes.

Submissions (2):

GeneDx
Classification: Uncertain significance. Last evaluated: 2023-03-14. Review status: criteria provided, single submitter. Criteria: GeneDx Variant Classification Process June 2021. Collection method: clinical testing. Allele origin: germline. Affected: yes.
Comment: Not observed at significant frequency in large population cohorts (gnomAD); In silico analysis supports that this variant does not alter splicing; Has not been previously published as pathogenic or benign to our knowledge

Department of Pathology and Laboratory Medicine, Sinai Health System
Classification: Likely benign for Polycystic kidney disease 2. Last evaluated: 2022-06-24. Review status: criteria provided, single submitter. Criteria: ACMG Guidelines, 2015. Collection method: clinical testing. Allele origin: germline. Affected: yes.

NM_000297.4(PKD2):c.710-10T>C

Gene: PKD2 (polycystin 2, transient receptor potential cation channel; plus strand). Cytogenetic location: 4q22.1.
Variant type: single nucleotide variant.
Coding change: c.710-10T>C on transcript NM_000297.4 (MANE Select); 10 bases into the intron before coding-DNA position 710, T replaced by C.
Molecular consequence: intron variant.
Genome position (GRCh38, 1-based): chr4:88,036,210, T>C. VCF-style: chr4-88036210-T-C. GRCh37 (hg19) VCF-style: chr4-88957362-T-C.
Identifiers: ClinVar variation 2579852 (VCV002579852.2), dbSNP rs1727324181, ClinGen allele CA2580617936.